The following is an entry in ClinVar:

NM_032776.3(JMJD1C):c.2462G>C (p.Ser821Thr)

Gene: JMJD1C (jumonji domain containing 1C; minus strand). Cytogenetic location: 10q21.3.
Variant type: single nucleotide variant.
Coding change: c.2462G>C on transcript NM_032776.3 (MANE Select); coding-DNA position 2462, G replaced by C.
Protein change: p.Ser821Thr; replaces serine 821 with threonine.
Molecular consequence: missense variant. On other transcripts: non-coding transcript variant (1).
Genome position (GRCh38, 1-based): chr10:63,213,705, C>G on the plus strand (G>C on the coding strand, the complement: JMJD1C is on the minus strand). VCF-style: chr10-63213705-C-G. GRCh37 (hg19) VCF-style: chr10-64973465-C-G.
Other names: c.1916G>C, p.Ser639Thr (NM_001282948.2, NM_001318154.2); c.1598G>C, p.Ser533Thr (NM_001318153.2); c.2348G>C, p.Ser783Thr (NM_001322252.2); c.1805G>C, p.Ser602Thr (NM_001322254.2, NM_001322258.2); short protein forms S602T, S639T, S533T, S821T, S783T.
Identifiers: ClinVar variation 3723920 (VCV003723920.2).

ClinVar aggregate classification (germline): Uncertain significance (1 of 4 stars; one submission).

Conditions:
Early Myoclonic Encephalopathy. Identifiers: MedGen C0270855.

gnomAD v4.1: 2 of 1,614,160 alleles (0.00012%); highest among the groups gnomAD compares: Non-Finnish European, 0.00017%; no homozygotes.

Submission:

Labcorp Genetics (formerly Invitae), Labcorp
Classification: Uncertain significance for Early Myoclonic Encephalopathy. Last evaluated: 2024-10-28. Review status: criteria provided, single submitter. Criteria: Invitae Variant Classification Sherloc (09022015). Collection method: clinical testing. Allele origin: germline.
Comment: This sequence change replaces serine, which is neutral and polar, with threonine, which is neutral and polar, at codon 821 of the JMJD1C protein (p.Ser821Thr). This variant is not present in population databases (gnomAD no frequency). This variant has not been reported in the literature in individuals affected with JMJD1C-related conditions. An algorithm developed to predict the effect of missense changes on protein structure and function (PolyPhen-2) suggests that this variant is likely to be disruptive. In summary, the available evidence is currently insufficient to determine the role of this variant in disease. Therefore, it has been classified as a Variant of Uncertain Significance.